The following is an entry in ClinVar:

ClinVar aggregate classification (germline): Pathogenic. Review status: criteria provided, multiple submitters, no conflicts (2 of 4 stars). 2 submissions from 2 submitters: Pathogenic (2). Last evaluated 2022-09-12.

Conditions:
Exudative vitreoretinopathy 1 (EVR1). Also called: CRISWICK-SCHEPENS SYNDROME; FEVR, AUTOSOMAL DOMINANT; Familial exudative vitreoretinopathy, autosomal dominant. Identifiers: Orphanet 891, Orphanet 90050, MedGen C1851402, MONDO:0007589, OMIM 133780.

Submissions (3):

Labcorp Genetics (formerly Invitae), Labcorp
Classification: Pathogenic. Last evaluated: 2022-09-12. Review status: criteria provided, single submitter. Criteria: Invitae Variant Classification Sherloc (09022015). Collection method: clinical testing. Allele origin: germline.
Comment: For these reasons, this variant has been classified as Pathogenic. Algorithms developed to predict the effect of sequence changes on RNA splicing suggest that this variant may disrupt the consensus splice site. ClinVar contains an entry for this variant (Variation ID: 929300). Disruption of this splice site has been observed in individuals with clinical features of autosomal dominant exudative vitreoretinopathy (PMID: 33302760; Invitae). This variant is not present in population databases (gnomAD no frequency). This sequence change affects a donor splice site in intron 6 of the LRP5 gene. It is expected to disrupt RNA splicing. Variants that disrupt the donor or acceptor splice site typically lead to a loss of protein function (PMID: 16199547), and loss-of-function variants in LRP5 are known to be pathogenic (PMID: 11719191, 16252235, 25711638).

Department of Ophthalmology, California Pacific Medical Center
Classification: Pathogenic for Exudative vitreoretinopathy 1. Last evaluated: 2020-06-11. Review status: criteria provided, single submitter. Criteria: ACMG Guidelines, 2015. Collection method: clinical testing. Allele origin: germline. Inheritance: Sporadic. Affected: yes. Observed: 1 heterozygote.

Dr. Peter K. Rogan Lab, Western University
No classification provided (evidence only). Condition: Malignant tumor of esophagus. Review status: no classification provided. Collection method: in vitro. Allele origin: not applicable. Functional consequence: retained intron. Not counted in ClinVar's aggregate classification.

Literature cited by the submitters: PubMed 33302760 (cited by Labcorp Genetics (formerly Invitae), Labcorp); PubMed 16199547 (cited by Labcorp Genetics (formerly Invitae), Labcorp); PubMed 11719191 (cited by Labcorp Genetics (formerly Invitae), Labcorp); PubMed 16252235 (cited by Labcorp Genetics (formerly Invitae), Labcorp); PubMed 25711638 (cited by Labcorp Genetics (formerly Invitae), Labcorp).

NM_002335.4(LRP5):c.1412+1G>A

Gene: LRP5 (LDL receptor related protein 5; plus strand). Cytogenetic location: 11q13.2.
Variant type: single nucleotide variant.
Coding change: c.1412+1G>A on transcript NM_002335.4 (MANE Select); the canonical splice donor site of the intron after coding-DNA position 1412, G replaced by A.
Molecular consequence: splice donor variant.
Genome position (GRCh38, 1-based): chr11:68,386,713, G>A. VCF-style: chr11-68386713-G-A. GRCh37 (hg19) VCF-style: chr11-68154181-G-A.
Other names: c.-354+1G>A (NM_001291902.2).
Identifiers: ClinVar variation 929300 (VCV000929300.10), dbSNP rs2098643283, ClinGen allele CA381612888.